The following is an entry in ClinVar:

NM_001041.4(SI):c.130T>A (p.Ser44Thr)

Gene: SI (sucrase-isomaltase; minus strand). Cytogenetic location: 3q26.1.
Variant type: single nucleotide variant.
Coding change: c.130T>A on transcript NM_001041.4 (MANE Select); coding-DNA position 130, T replaced by A.
Protein change: p.Ser44Thr; replaces serine 44 with threonine.
Molecular consequence: missense variant.
Genome position (GRCh38, 1-based): chr3:165,074,656, A>T on the plus strand (T>A on the coding strand, the complement: SI is on the minus strand). VCF-style: chr3-165074656-A-T. GRCh37 (hg19) VCF-style: chr3-164792444-A-T.
Other names: short protein forms S44T.
Identifiers: ClinVar variation 2086557 (VCV002086557.1), dbSNP rs2473455921, ClinGen allele CA355037269.

ClinVar aggregate classification (germline): Uncertain significance (1 of 4 stars; one submission).

Allele frequency attached by ClinVar (database versions not stated): gnomAD exomes below 0.00001.

Submission:

Labcorp Genetics (formerly Invitae), Labcorp
Classification: Uncertain significance. Last evaluated: 2022-10-13. Review status: criteria provided, single submitter. Criteria: Invitae Variant Classification Sherloc (09022015). Collection method: clinical testing. Allele origin: germline.
Comment: This sequence change replaces serine, which is neutral and polar, with threonine, which is neutral and polar, at codon 44 of the SI protein (p.Ser44Thr). This variant is not present in population databases (gnomAD no frequency). This variant has not been reported in the literature in individuals affected with SI-related conditions. Algorithms developed to predict the effect of missense changes on protein structure and function (SIFT, PolyPhen-2, Align-GVGD) all suggest that this variant is likely to be tolerated. In summary, the available evidence is currently insufficient to determine the role of this variant in disease. Therefore, it has been classified as a Variant of Uncertain Significance.